The following is an entry in ClinVar:

NM_001039876.3(SYNE4):c.43C>A (p.Pro15Thr)

Gene: SYNE4 (spectrin repeat containing nuclear envelope family member 4; minus strand). Cytogenetic location: 19q13.12.
Variant type: single nucleotide variant.
Coding change: c.43C>A on transcript NM_001039876.3 (MANE Select); coding-DNA position 43, C replaced by A.
Protein change: p.Pro15Thr; replaces proline 15 with threonine.
Molecular consequence: missense variant.
Genome position (GRCh38, 1-based): chr19:36,008,639, G>T on the plus strand (C>A on the coding strand, the complement: SYNE4 is on the minus strand). VCF-style: chr19-36008639-G-T. GRCh37 (hg19) VCF-style: chr19-36499541-G-T.
Other names: c.43C>A, p.Pro15Thr (NM_001297735.3); short protein forms P15T.
Identifiers: ClinVar variation 2429500 (VCV002429500.1), dbSNP rs1170873344, ClinGen allele CA405437209.

ClinVar aggregate classification (germline): Uncertain significance (1 of 4 stars; one submission).

Allele frequency attached by ClinVar (database versions not stated): TOPMed below 0.00001.
gnomAD v4.1: 4 of 1,613,968 alleles (0.00025%); highest among the groups gnomAD compares: Admixed American, 0.0017%; no homozygotes.

Submission:

GeneDx
Classification: Uncertain significance. Last evaluated: 2022-08-11. Review status: criteria provided, single submitter. Criteria: GeneDx Variant Classification Process June 2021. Collection method: clinical testing. Allele origin: germline. Affected: yes.
Comment: Not observed at significant frequency in large population cohorts (gnomAD); In silico analysis supports that this missense variant has a deleterious effect on protein structure/function; Has not been previously published as pathogenic or benign to our knowledge